The following is an entry in ClinVar:

ClinVar aggregate classification (germline): Likely benign (1 of 4 stars; one submission).

gnomAD v4.1: 5 of 1,613,446 alleles (0.00031%); highest among the groups gnomAD compares: Non-Finnish European, 0.00034%; no homozygotes.

Submission:

Mayo Clinic Laboratories, Mayo Clinic
Classification: Likely benign. Last evaluated: 2025-07-16. Review status: criteria provided, single submitter. Criteria: ACMG Guidelines, 2015. Collection method: clinical testing. Allele origin: germline. Observed: 2 variant alleles.
Comment: BP4, BP7, PM2_supporting

NM_001365276.2(TNXB):c.4143A>G (p.Thr1381=)

Gene: TNXB (tenascin XB; minus strand). Cytogenetic location: 6p21.33.
Variant type: single nucleotide variant.
Coding change: c.4143A>G on transcript NM_001365276.2 (MANE Select); coding-DNA position 4143, A replaced by G.
Protein change: p.Thr1381=; no amino-acid change (threonine 1381 retained).
Molecular consequence: synonymous variant.
Genome position (GRCh38, 1-based): chr6:32,079,265, T>C on the plus strand (A>G on the coding strand, the complement: TNXB is on the minus strand). VCF-style: chr6-32079265-T-C. GRCh37 (hg19) VCF-style: chr6-32047042-T-C.
Other names: p.Thr1381=; c.4884A>G, p.Thr1628= (NM_001428335.1); c.4143A>G, p.Thr1381= (NM_019105.8).
Identifiers: ClinVar variation 4684962 (VCV004684962.1).